The following is an entry in ClinVar:

ClinVar aggregate classification (germline): Benign (1 of 4 stars; one submission).

Allele frequency attached by ClinVar (database versions not stated): TOPMed 0.12071; 1000 Genomes Project 0.12141; 1000 Genomes Project 30x 0.12258; gnomAD 0.12426 and 0.12540.
gnomAD v4.1: 18,893 of 152,144 alleles (12%); highest among the groups gnomAD compares: African/African-American, 15%; 1,227 homozygotes.

Submission:

GeneDx
Classification: Benign. Last evaluated: 2018-06-14. Review status: criteria provided, single submitter. Criteria: GeneDx Variant Classification (06012015). Collection method: clinical testing. Allele origin: germline. Affected: yes.
Comment: This variant is considered likely benign or benign based on one or more of the following criteria: it is a conservative change, it occurs at a poorly conserved position in the protein, it is predicted to be benign by multiple in silico algorithms, and/or has population frequency not consistent with disease.

NM_001148.6(ANK2):c.2179-196C>T

Gene: ANK2 (ankyrin 2; plus strand). Cytogenetic location: 4q26.
Variant type: single nucleotide variant.
Coding change: c.2179-196C>T on transcript NM_001148.6 (MANE Select); 196 bases into the intron before coding-DNA position 2179, C replaced by T.
Molecular consequence: intron variant.
Genome position (GRCh38, 1-based): chr4:113,288,192, C>T. VCF-style: chr4-113288192-C-T. GRCh37 (hg19) VCF-style: chr4-114209348-C-T.
Other names: c.2167-196C>T (NM_001386186.2, NM_001386148.2); c.1969-196C>T (NM_001354269.3); c.2143-196C>T (NM_001386187.2); c.2137-196C>T (NM_001386147.1, NM_001386160.1, NM_001354261.2); c.2116-196C>T (NM_001354254.2, NM_001354239.2, NM_001354252.2 and 10 more transcripts); c.2017-196C>T (NM_001354253.2, NM_001354270.2, NM_001354257.2 and 1 more transcripts); c.2092-196C>T (NM_001354249.2, NM_001354266.2, NM_001354276.2 and 10 more transcripts); c.1993-196C>T (NM_001386151.1, NM_001354260.2, NM_001354271.2); and 8 more.
Identifiers: ClinVar variation 671953 (VCV000671953.1), dbSNP rs29358, ClinGen allele CA103792573.